The following is an entry in ClinVar:

NM_001191061.2(SLC25A22):c.67G>A (p.Val23Ile)

Gene: SLC25A22 (solute carrier family 25 member 22; minus strand). Cytogenetic location: 11p15.5.
Variant type: single nucleotide variant.
Coding change: c.67G>A on transcript NM_001191061.2 (MANE Select); coding-DNA position 67, G replaced by A.
Protein change: p.Val23Ile; replaces valine 23 with isoleucine.
Molecular consequence: missense variant.
Genome position (GRCh38, 1-based): chr11:794,855, C>T on the plus strand (G>A on the coding strand, the complement: SLC25A22 is on the minus strand). VCF-style: chr11-794855-C-T. GRCh37 (hg19) VCF-style: chr11-794855-C-T.
Other names: c.67G>A, p.Val23Ile (NM_001191060.2, NM_024698.6); short protein forms V23I.
Identifiers: ClinVar variation 1522384 (VCV001522384.9), dbSNP rs1225734619, ClinGen allele CA378922242.

ClinVar aggregate classification (germline): Uncertain significance (1 of 4 stars; one submission).

Conditions:
Early-infantile DEE. Also called: Ohtahara syndrome; Early infantile epileptic encephalopathy; Early infantile epileptic encephalopathy with suppression bursts. Identifiers: Orphanet 1934, MedGen C0393706, MONDO:0800491.

Allele frequency attached by ClinVar (database versions not stated): gnomAD exomes below 0.00001; TOPMed below 0.00001; gnomAD 0.00001.
gnomAD v4.1: 5 of 1,577,282 alleles (0.00032%); highest among the groups gnomAD compares: Non-Finnish European, 0.00043%; no homozygotes.

Submission:

Labcorp Genetics (formerly Invitae), Labcorp
Classification: Uncertain significance for Early-infantile DEE. Last evaluated: 2021-06-06. Review status: criteria provided, single submitter. Criteria: Invitae Variant Classification Sherloc (09022015). Collection method: clinical testing. Allele origin: germline.
Comment: This sequence change replaces valine with isoleucine at codon 23 of the SLC25A22 protein (p.Val23Ile). The valine residue is highly conserved and there is a small physicochemical difference between valine and isoleucine. This variant is not present in population databases (ExAC no frequency). This variant has not been reported in the literature in individuals with SLC25A22-related conditions. Algorithms developed to predict the effect of missense changes on protein structure and function (SIFT, PolyPhen-2, Align-GVGD) all suggest that this variant is likely to be disruptive, but these predictions have not been confirmed by published functional studies and their clinical significance is uncertain. In summary, the available evidence is currently insufficient to determine the role of this variant in disease. Therefore, it has been classified as a Variant of Uncertain Significance.